The following is an entry in ClinVar:

ClinVar aggregate classification (germline): Likely pathogenic. Review status: criteria provided, single submitter (1 of 4 stars). 2 submissions from 2 submitters: Likely pathogenic (1). 1 of the submissions does not count toward it. Last evaluated 2022-01-26.

Conditions:
Familial thoracic aortic aneurysm and aortic dissection (TAAD). Also called: Thoracic aortic aneurysms and dissections. Identifiers: Orphanet 91387, MedGen C4707243, MONDO:0019625.
Marfan syndrome (MFS). Also called: Marfan syndrome type 1; Marfan's syndrome; Marfan syndrome, classic; MARFAN SYNDROME, TYPE I; FBN1-Related Marfan Syndrome. Identifiers: Orphanet 284963, Orphanet 558, MedGen C0024796, MONDO:0007947, OMIM 154700.

Submissions (2):

Labcorp Genetics (formerly Invitae), Labcorp
Classification: Likely pathogenic for Marfan syndrome; Familial thoracic aortic aneurysm and aortic dissection. Last evaluated: 2022-01-26. Review status: criteria provided, single submitter. Criteria: Invitae Variant Classification Sherloc (09022015). Collection method: clinical testing. Allele origin: germline.
Comment: This sequence change replaces cysteine, which is neutral and slightly polar, with tyrosine, which is neutral and polar, at codon 2429 of the FBN1 protein (p.Cys2429Tyr). This variant is not present in population databases (gnomAD no frequency). This missense change has been observed in individual(s) with Marfan syndrome (Invitae). ClinVar contains an entry for this variant (Variation ID: 1077159). Advanced modeling of protein sequence and biophysical properties (such as structural, functional, and spatial information, amino acid conservation, physicochemical variation, residue mobility, and thermodynamic stability) performed at Invitae indicates that this missense variant is expected to disrupt FBN1 protein function. This variant affects a cysteine residue in the EGF-like, TGFBP or hybrid motif domains of FBN1. Cysteine residues are believed to be involved in intramolecular disulfide bridges and have been shown to be important for FBN1 protein structure (PMID: 16905551, 19349279). In addition, missense substitutions affecting cysteine residues within these domains are significantly overrepresented among patients with Marfan syndrome (PMID: 16571647, 17701892). This variant disrupts the p.Cys2429 amino acid residue in FBN1. Other variant(s) that disrupt this residue have been observed in individuals with FBN1-related conditions (PMID: 19293843), which suggests that this may be a clinically significant amino acid residue. In summary, the currently available evidence indicates that the variant is pathogenic, but additional data are needed to prove that conclusively. Therefore, this variant has been classified as Likely Pathogenic.

Institute of Human Genetics, Cologne University
Classification: Likely pathogenic for Marfan syndrome. Review status: no assertion criteria provided. Collection method: clinical testing. Allele origin: de novo. Inheritance: Autosomal dominant inheritance. Affected: yes. Observed: 1 variant allele, 1 heterozygote. Not counted in ClinVar's aggregate classification.

Literature cited by the submitters: PubMed 16905551 (cited by Labcorp Genetics (formerly Invitae), Labcorp); PubMed 19349279 (cited by Labcorp Genetics (formerly Invitae), Labcorp); PubMed 16571647 (cited by Labcorp Genetics (formerly Invitae), Labcorp); PubMed 17701892 (cited by Labcorp Genetics (formerly Invitae), Labcorp); PubMed 19293843 (cited by Labcorp Genetics (formerly Invitae), Labcorp).

NM_000138.5(FBN1):c.7286G>A (p.Cys2429Tyr)

Gene: FBN1 (fibrillin 1; minus strand). Cytogenetic location: 15q21.1.
Variant type: single nucleotide variant.
Coding change: c.7286G>A on transcript NM_000138.5 (MANE Select); coding-DNA position 7286, G replaced by A.
Protein change: p.Cys2429Tyr; replaces cysteine 2429 with tyrosine.
Molecular consequence: missense variant.
Genome position (GRCh38, 1-based): chr15:48,425,783, C>T on the plus strand (G>A on the coding strand, the complement: FBN1 is on the minus strand). VCF-style: chr15-48425783-C-T. GRCh37 (hg19) VCF-style: chr15-48717980-C-T.
Other names: short protein forms C2429Y.
Identifiers: ClinVar variation 1077159 (VCV001077159.6), dbSNP rs2141226916, ClinGen allele CA392328590.
Genomic context (GRCh38, chr15:48,425,783, plus strand): 5'-AGAAATAGACACTTACCTACACAGGAAGTCCCAGTTATATCTGGAGTGTACCCAGTTTTA[C>T]AAATGCAATGATATGATCCTCTGTCATTGACACATTCCCCATTTCGGCAAACATCGTGAA-3'
Protein context (NP_000129.3, residues 2419-2439): VNDRGSYHCI[Cys2429Tyr]KTGYTPDITG